The following is an entry in ClinVar:

NM_001572.5(IRF7):c.279_282del (p.Asn94fs)

Gene: IRF7 (interferon regulatory factor 7; minus strand). Cytogenetic location: 11p15.5.
Variant type: Deletion.
Coding change: c.279_282del on transcript NM_001572.5 (MANE Select); coding-DNA positions 279 to 282, 4 bases deleted (CAAC; older notation c.279_282delCAAC).
Protein change: p.Asn94fs; shifts the reading frame from asparagine 94.
Molecular consequence: frameshift variant.
Genome position (GRCh38, 1-based): chr11:614,909-614,912, GTTG deleted on the plus strand (CAAC on the coding strand, the reverse complement: IRF7 is on the minus strand); deleting any 4 consecutive bases within chr11:614,909-614,915 gives the same sequence; the c. name uses the placement nearest the transcript's 3' end. VCF-style (leftmost placement, unchanged base first): chr11-614908-AGTTG-A. GRCh37 (hg19) VCF-style: chr11-614908-AGTTG-A.
Other names: c.318_321del, p.Asn107fs (NM_001440440.1, NM_001440444.1, NM_004031.4); c.279_282del, p.Asn94fs (NM_001440442.1, NM_001440445.1, NM_001440446.1 and 1 more transcripts); short protein forms N107fs, N94fs.
Identifiers: ClinVar variation 4772119 (VCV004772119.2).

ClinVar aggregate classification (germline): Uncertain significance. Review status: criteria provided, multiple submitters, no conflicts (2 of 4 stars). 2 submissions from 2 submitters: Uncertain significance (2). Last evaluated 2025-02-04.

Conditions:
Immunodeficiency 39 (IMD39). Identifiers: Orphanet 574918, MedGen C4225358, MONDO:0014597, OMIM 616345.

Submissions (2):

Labcorp Genetics (formerly Invitae), Labcorp
Classification: Uncertain significance for Immunodeficiency 39. Last evaluated: 2025-02-04. Review status: criteria provided, single submitter. Criteria: Invitae Variant Classification Sherloc (09022015). Collection method: clinical testing. Allele origin: germline.
Comment: This sequence change creates a premature translational stop signal (p.Asn107Serfs*12) in the IRF7 gene. It is expected to result in an absent or disrupted protein product. However, the current clinical and genetic evidence is not sufficient to establish whether loss-of-function variants in IRF7 cause disease. This variant is present in population databases (no rsID available, gnomAD 0.001%). This variant has not been reported in the literature in individuals affected with IRF7-related conditions. In summary, the available evidence is currently insufficient to determine the role of this variant in disease. Therefore, it has been classified as a Variant of Uncertain Significance.

Blueprint Genetics
Classification: Uncertain significance. Last evaluated: 2023-06-21. Review status: criteria provided, single submitter. Criteria: ACMG Guidelines, 2015. Collection method: clinical testing. Allele origin: germline.